The following is an entry in ClinVar:

ClinVar aggregate classification (germline): Uncertain significance. Review status: criteria provided, multiple submitters, no conflicts (2 of 4 stars). 2 submissions from 2 submitters: Uncertain significance (2). Last evaluated 2024-06-27.

Conditions:
Bartter disease type 3. Also called: Bartter syndrome type 3. Identifiers: Orphanet 112, Orphanet 93605, MedGen C1846343, MONDO:0011822, OMIM 607364.

Allele frequency attached by ClinVar (database versions not stated): gnomAD exomes below 0.00001.
gnomAD v4.1: 1 of 1,613,958 alleles (0.000062%); highest among the groups gnomAD compares: Non-Finnish European, 0.000085%; no homozygotes.

Submissions (2):

Blueprint Genetics
Classification: Uncertain significance. Last evaluated: 2024-06-27. Review status: criteria provided, single submitter. Criteria: ACMG Guidelines, 2015. Collection method: clinical testing. Allele origin: germline.

Centre for Mendelian Genomics, University Medical Centre Ljubljana
Classification: Uncertain significance for Bartter disease type 3. Last evaluated: 2019-09-17. Review status: criteria provided, single submitter. Criteria: ACMG Guidelines, 2015. Collection method: clinical testing. Allele origin: unknown. Affected: yes.
Comment: This variant was classified as: Uncertain significance. The available evidence on this variant's pathogenicity is insufficient or conflicting. The following ACMG criteria were applied in classifying this variant: PM2,BP3. This variant was detected in homozygous state.

NM_000085.5(CLCNKB):c.236A>G (p.Gln79Arg)

Genes: CLCNKB (chloride voltage-gated channel Kb; plus strand), LOC106501713 (CLCNKB recombination region; plus strand). Cytogenetic location: 1p36.13.
Variant type: single nucleotide variant.
Coding change: c.236A>G on transcript NM_000085.5 (MANE Select); coding-DNA position 236, A replaced by G.
Protein change: p.Gln79Arg; replaces glutamine 79 with arginine.
Molecular consequence: missense variant.
Genome position (GRCh38, 1-based): chr1:16,046,541, A>G. VCF-style: chr1-16046541-A-G. GRCh37 (hg19) VCF-style: chr1-16373036-A-G.
Other names: short protein forms Q79R.
Identifiers: ClinVar variation 930785 (VCV000930785.4), dbSNP rs2023105293, ClinGen allele CA338631674.